The following is an entry in ClinVar:

ClinVar aggregate classification (germline): Benign. Review status: criteria provided, multiple submitters, no conflicts (2 of 4 stars). 2 submissions from 2 submitters: Benign (2). Last evaluated 2018-01-13.

Conditions:
Familial hyperaldosteronism type III. Also called: FH III; Familial hyperaldosteronism type 3. Identifiers: Orphanet 251274, MedGen C3838758, MONDO:0013359, OMIM 613677.

Allele frequency attached by ClinVar (database versions not stated): gnomAD exomes 0.00722; gnomAD 0.06451 and 0.06148; TOPMed 0.07083; 1000 Genomes Project 0.07748; 1000 Genomes Project 30x 0.07979.
gnomAD v4.1: 9,335 of 154,738 alleles (6%); highest among the groups gnomAD compares: African/African-American, 18%; 710 homozygotes.

Submissions (2):

Illumina Laboratory Services, Illumina
Classification: Benign for Familial hyperaldosteronism type III. Last evaluated: 2018-01-13. Review status: criteria provided, single submitter. Criteria: ICSL Variant Classification Criteria 13 December 2019. Collection method: clinical testing. Allele origin: germline.
Comment: This variant was observed in the ICSL laboratory as part of a predisposition screen in an ostensibly healthy population. It had not been previously curated by ICSL or reported in the Human Gene Mutation Database (HGMD: prior to June 1st, 2018), and was therefore a candidate for classification through an automated scoring system. Utilizing variant allele frequency, disease prevalence and penetrance estimates, and inheritance mode, an automated score was calculated to assess if this variant is too frequent to cause the disease. Based on the score and internal cut-off values, a variant classified as benign is not then subjected to further curation. The score for this variant resulted in a classification of benign for this disease.

Breakthrough Genomics
Classification: Benign. Review status: criteria provided, single submitter. Criteria: ACMG Guidelines, 2015. Collection method: not provided. Allele origin: germline. Inheritance: Autosomal dominant inheritance. Affected: yes.

NM_000890.5(KCNJ5):c.*528C>T

Gene: KCNJ5 (potassium inwardly rectifying channel subfamily J member 5; plus strand). Cytogenetic location: 11q24.3.
Variant type: single nucleotide variant.
Coding change: c.*528C>T on transcript NM_000890.5 (MANE Select); 528 bases downstream of the stop codon, C replaced by T.
Molecular consequence: 3 prime UTR variant.
Genome position (GRCh38, 1-based): chr11:128,917,259, C>T. VCF-style: chr11-128917259-C-T. GRCh37 (hg19) VCF-style: chr11-128787154-C-T.
Other names: c.*528C>T (LRG_333t1, NM_001354169.2).
Identifiers: ClinVar variation 303643 (VCV000303643.7), dbSNP rs3867250, ClinGen allele CA10630416.